The following is an entry in ClinVar:

ClinVar aggregate classification (germline): Pathogenic. Review status: criteria provided, single submitter (1 of 4 stars). 2 submissions from 2 submitters: Pathogenic (1). 1 of the submissions does not count toward it. Last evaluated 2024-10-22.

Conditions:
Congenital dyserythropoietic anemia, type II (CDAN2). Also called: DYSERYTHROPOIETIC ANEMIA, HEMPAS TYPE. Identifiers: Orphanet 98873, MedGen C1306589, MONDO:0009134, OMIM 224100.
SEC23B-related disorder. Also called: SEC23B-related disorders; SEC23B-related condition.

gnomAD v4.1: 1 of 1,527,004 alleles (0.000065%); highest among the groups gnomAD compares: Non-Finnish European, 0.000091%; no homozygotes.

Submissions (2):

Women's Health and Genetics/Laboratory Corporation of America, LabCorp
Classification: Pathogenic for Congenital dyserythropoietic anemia, type II. Last evaluated: 2024-10-22. Review status: criteria provided, single submitter. Criteria: LabCorp Variant Classification Summary - May 2015. Collection method: clinical testing. Allele origin: germline.
Comment: Variant summary: SEC23B c.1733T>C (p.Leu578Pro) results in a non-conservative amino acid change located in the Sec23/Sec24, helical domain of the encoded protein sequence. Five of five in-silico tools predict a damaging effect of the variant on protein function. The variant was absent in 251320 control chromosomes. c.1733T>C has been reported in the literature in multiple homozygous individuals affected with Congenital dyserythropoietic anemia, type II (e.g., Russo_2010, Russo_2014, Saglam_2021). These data indicate that the variant is very likely to be associated with disease. To our knowledge, no experimental evidence demonstrating an impact on protein function has been reported. The following publications have been ascertained in the context of this evaluation (PMID: 20941788, 25044164, 31593005, DOI: 10.1016/j.htct.2021.10.1064). ClinVar contains an entry for this variant (Variation ID: 3356778). Based on the evidence outlined above, the variant was classified as pathogenic.

PreventionGenetics, part of Exact Sciences
Classification: Uncertain significance for SEC23B-related condition. Last evaluated: 2024-08-22. Review status: no assertion criteria provided. Collection method: clinical testing. Allele origin: germline. Not counted in ClinVar's aggregate classification.
Comment: The SEC23B c.1733T>C variant is predicted to result in the amino acid substitution p.Leu578Pro. This variant was reported in the homozygous state in an individual with dyserythropoietic anemia (patient F46P1 in Russo et al 2010. PubMed ID: 20941788). At PreventionGenetics, we have previously observed this variant in the homozygous state in two patients affected with congenital dyserythropoietic anemia (Internal Data). This variant has not been reported in a large population database, indicating this variant is rare. Although we suspect that this variant may be pathogenic, at this time, the clinical significance of this variant is uncertain due to the absence of conclusive functional and genetic evidence.

Literature cited by the submitters: PubMed 20941788 (cited by Women's Health and Genetics/Laboratory Corporation of America, LabCorp); PubMed 25044164 (cited by Women's Health and Genetics/Laboratory Corporation of America, LabCorp); PubMed 31593005 (cited by Women's Health and Genetics/Laboratory Corporation of America, LabCorp).

NM_006363.6(SEC23B):c.1733T>C (p.Leu578Pro)

Gene: SEC23B (SEC23 homolog B, COPII component; plus strand). Cytogenetic location: 20p11.23.
Variant type: single nucleotide variant.
Coding change: c.1733T>C on transcript NM_006363.6 (MANE Select); coding-DNA position 1733, T replaced by C.
Protein change: p.Leu578Pro; replaces leucine 578 with proline.
Molecular consequence: missense variant.
Genome position (GRCh38, 1-based): chr20:18,546,023, T>C. VCF-style: chr20-18546023-T-C. GRCh37 (hg19) VCF-style: chr20-18526667-T-C.
Other names: c.1733T>C, p.Leu578Pro (NM_001172745.3, NM_032985.6, NM_032986.5); c.1679T>C, p.Leu560Pro (NM_001172746.3); short protein forms L560P, L578P.
Identifiers: ClinVar variation 3356778 (VCV003356778.2).